The following is an entry in ClinVar:

NM_032242.4(PLXNA1):c.5068C>T (p.Leu1690=)

Gene: PLXNA1 (plexin A1; plus strand). Cytogenetic location: 3q21.3.
Variant type: single nucleotide variant.
Coding change: c.5068C>T on transcript NM_032242.4 (MANE Select); coding-DNA position 5068, C replaced by T.
Protein change: p.Leu1690=; no amino-acid change (leucine 1690 retained).
Molecular consequence: synonymous variant.
Genome position (GRCh38, 1-based): chr3:127,030,249, C>T. VCF-style: chr3-127030249-C-T. GRCh37 (hg19) VCF-style: chr3-126749092-C-T.
Identifiers: ClinVar variation 5001533 (VCV005001533.1).

ClinVar aggregate classification (germline): Likely benign (1 of 4 stars; one submission).

Conditions:
PLXNA1-related disorder. Also called: PLXNA1-related condition.

gnomAD v4.1: 4 of 1,613,574 alleles (0.00025%); highest among the groups gnomAD compares: Admixed American, 0.005%; no homozygotes.

Submission:

PreventionGenetics, part of Exact Sciences
Classification: Likely benign for PLXNA1-related condition. Last evaluated: 2025-06-24. Review status: criteria provided, single submitter. Criteria: ACMG Guidelines, 2015. Collection method: clinical testing. Allele origin: germline.
Comment: This variant is classified as likely benign based on ACMG/AMP sequence variant interpretation guidelines (Richards et al. 2015 PMID: 25741868, with internal and published modifications).